The following is an entry in ClinVar:

ClinVar aggregate classification (germline): Likely pathogenic (1 of 4 stars; one submission).

Conditions:
Autosomal recessive nonsyndromic hearing loss 77. Identifiers: Orphanet 90636, MedGen C2746083, MONDO:0013119, OMIM 613079.

Submission:

Natera, Inc.
Classification: Likely pathogenic for Autosomal recessive deafness type 77. Last evaluated: 2024-04-29. Review status: criteria provided, single submitter. Criteria: Natera Variant Classification Schema (03/2026). Collection method: clinical testing. Allele origin: germline.
Comment: The c.5187delG variant in LOXHD1 is a frameshift variant predicted to shift the reading frame beginning at codon 1730 and leads to a stop codon 23 codons downstream. This variant is expected to result in nonsense mediated decay, truncation, or a dysfunctional protein product. This variant is rare in the general population with a frequency below the threshold expected for the associated phenotype(s). Given the available evidence, this variant is classified as Likely Pathogenic.

NM_001384474.1(LOXHD1):c.5373del (p.Met1792fs)

Gene: LOXHD1 (lipoxygenase homology PLAT domains 1; minus strand). Cytogenetic location: 18q21.1.
Variant type: Deletion.
Coding change: c.5373del on transcript NM_001384474.1 (MANE Select); coding-DNA position 5373, one base deleted (G; older notation c.5373delG).
Protein change: p.Met1792fs; shifts the reading frame from methionine 1792.
Molecular consequence: frameshift variant.
Genome position (GRCh38, 1-based): chr18:46,518,155, C deleted on the plus strand (G on the coding strand, the reverse complement: LOXHD1 is on the minus strand). VCF-style (leftmost placement, unchanged base first): chr18-46518154-TC-T. GRCh37 (hg19) VCF-style: chr18-44098117-TC-T.
Other names: c.2040del, p.Met681fs (NM_001145472.3); c.90del, p.Met31fs (NM_001145473.3, NM_001173129.2); c.1752del, p.Met585fs (NM_001308013.2); c.5187del, p.Met1730fs (NM_144612.7); short protein forms M1730fs, M1792fs, M31fs, M585fs, M681fs.
Identifiers: ClinVar variation 4816838 (VCV004816838.1).